The following is an entry in ClinVar:

NM_006031.6(PCNT):c.7573C>T (p.Arg2525Cys)

Gene: PCNT (pericentrin; plus strand). Cytogenetic location: 21q22.3.
Variant type: single nucleotide variant.
Coding change: c.7573C>T on transcript NM_006031.6 (MANE Select); coding-DNA position 7573, C replaced by T.
Protein change: p.Arg2525Cys; replaces arginine 2525 with cysteine.
Molecular consequence: missense variant.
Genome position (GRCh38, 1-based): chr21:46,428,473, C>T. VCF-style: chr21-46428473-C-T. GRCh37 (hg19) VCF-style: chr21-47848387-C-T.
Other names: c.7219C>T, p.Arg2407Cys (NM_001315529.2); c.7573C>T (NM_006031.5); short protein forms R2407C, R2525C.
Identifiers: ClinVar variation 1474871 (VCV001474871.6), dbSNP rs143367154, ClinGen allele CA10080711.

ClinVar aggregate classification (germline): Uncertain significance. Review status: criteria provided, multiple submitters, no conflicts (2 of 4 stars). 3 submissions from 3 submitters: Uncertain significance (3). Last evaluated 2026-05-23.

Conditions:
Inborn genetic diseases. Identifiers: MedGen C0950123, MeSH D030342.
PCNT-related disorder. Also called: PCNT-related condition.

Allele frequency attached by ClinVar (database versions not stated): ExAC 0.00002; gnomAD exomes 0.00003; gnomAD 0.00005; TOPMed 0.00005; ESP Exome Variant Server 0.00015.
gnomAD v4.1: 59 of 1,612,340 alleles (0.0037%); highest among the groups gnomAD compares: Non-Finnish European, 0.0044%; no homozygotes.

Submissions (3):

PreventionGenetics, part of Exact Sciences
Classification: Uncertain significance for PCNT-related condition. Last evaluated: 2026-05-23. Review status: criteria provided, single submitter. Criteria: ACMG Guidelines, 2015. Collection method: clinical testing. Allele origin: germline.
Comment: The PCNT c.7573C>T variant is predicted to result in the amino acid substitution p.Arg2525Cys. To our knowledge, this variant has not been reported in the literature. This variant is reported in 0.012% of alleles in individuals of African descent in gnomAD. At this time, the clinical significance of this variant is uncertain due to the absence of conclusive functional and genetic evidence.

Labcorp Genetics (formerly Invitae), Labcorp
Classification: Uncertain significance. Last evaluated: 2025-08-18. Review status: criteria provided, single submitter. Criteria: Invitae Variant Classification Sherloc (09022015). Collection method: clinical testing. Allele origin: germline.
Comment: This sequence change replaces arginine, which is basic and polar, with cysteine, which is neutral and slightly polar, at codon 2525 of the PCNT protein (p.Arg2525Cys). This variant is present in population databases (rs143367154, gnomAD 0.01%). This variant has not been reported in the literature in individuals affected with PCNT-related conditions. ClinVar contains an entry for this variant (Variation ID: 1474871). An algorithm developed to predict the effect of missense changes on protein structure and function (PolyPhen-2) suggests that this variant is likely to be disruptive. In summary, the available evidence is currently insufficient to determine the role of this variant in disease. Therefore, it has been classified as a Variant of Uncertain Significance.

Ambry Genetics
Classification: Uncertain significance for Inborn genetic diseases. Last evaluated: 2025-07-02. Review status: criteria provided, single submitter. Criteria: Ambry Variant Classification Scheme 2023. Collection method: clinical testing. Allele origin: germline.